The following is an entry in ClinVar:

NM_001134673.4(NFIA):c.89G>A (p.Trp30Ter)

Gene: NFIA (nuclear factor I A; plus strand). Cytogenetic location: 1p31.3.
Variant type: single nucleotide variant.
Coding change: c.89G>A on transcript NM_001134673.4 (MANE Select); coding-DNA position 89, G replaced by A.
Protein change: p.Trp30Ter; replaces tryptophan 30 with a stop codon.
Molecular consequence: nonsense.
Genome position (GRCh38, 1-based): chr1:61,088,210, G>A. VCF-style: chr1-61088210-G-A. GRCh37 (hg19) VCF-style: chr1-61553882-G-A.
Other names: c.65G>A, p.Trp22Ter (NM_001145511.2); c.224G>A, p.Trp75Ter (NM_001145512.2); c.89G>A, p.Trp30Ter (NM_005595.5); short protein forms W75*, W30*, W22*.
Identifiers: ClinVar variation 1031132 (VCV001031132.1), dbSNP rs1646254633, ClinGen allele CA340586248.
Genomic context (GRCh38, chr1:61,088,210, plus strand): 5'-ATGAATTTCATCCTTTCATCGAAGCACTTCTGCCCCACGTCCGAGCCTTTGCCTACACAT[G>A]GTTCAACCTGCAGGCCCGAAAACGAAAATACTTCAAAAAACATGAAAAGCGTATGTCAAA-3'

ClinVar aggregate classification (germline): Pathogenic (1 of 4 stars; one submission).

Conditions:
Chromosome 1p32-p31 deletion syndrome. Identifiers: Orphanet 401986, MedGen C4707828, MONDO:0013396.

Submission:

Baylor Genetics
Classification: Pathogenic for Brain malformations with or without urinary tract defects. Last evaluated: 2020-09-04. Review status: criteria provided, single submitter. Criteria: ACMG Guidelines, 2015. Collection method: clinical testing. Allele origin: unknown. Affected: yes.
Comment: This variant was determined to be pathogenic according to ACMG Guidelines, 2015 [PMID:25741868].